The following is an entry in ClinVar:

ClinVar aggregate classification (germline): Likely benign. Review status: criteria provided, multiple submitters, no conflicts (2 of 4 stars). 2 submissions from 2 submitters: Likely benign (2). Last evaluated 2025-04-27.

Conditions:
CDH3-related disorder. Also called: CDH3-related condition.

Submissions (2):

Labcorp Genetics (formerly Invitae), Labcorp
Classification: Likely benign. Last evaluated: 2025-04-27. Review status: criteria provided, single submitter. Criteria: Invitae Variant Classification Sherloc (09022015). Collection method: clinical testing. Allele origin: germline.

PreventionGenetics, part of Exact Sciences
Classification: Likely benign for CDH3-related condition. Last evaluated: 2024-10-17. Review status: criteria provided, single submitter. Criteria: ACMG Guidelines, 2015. Collection method: clinical testing. Allele origin: germline.
Comment: This variant is classified as likely benign based on ACMG/AMP sequence variant interpretation guidelines (Richards et al. 2015 PMID: 25741868, with internal and published modifications).

NM_001793.6(CDH3):c.547-8C>T

Gene: CDH3 (cadherin 3; plus strand). Cytogenetic location: 16q22.1.
Variant type: single nucleotide variant.
Coding change: c.547-8C>T on transcript NM_001793.6 (MANE Select); 8 bases into the intron before coding-DNA position 547, C replaced by T.
Molecular consequence: intron variant.
Genome position (GRCh38, 1-based): chr16:68,678,754, C>T. VCF-style: chr16-68678754-C-T. GRCh37 (hg19) VCF-style: chr16-68712657-C-T.
Other names: c.382-8C>T (NM_001317196.2); c.547-8C>T (NM_001317195.3, NM_001793.5).
Identifiers: ClinVar variation 4760045 (VCV004760045.2).